The following is an entry in ClinVar:

NM_006231.4(POLE):c.4728G>A (p.Lys1576=)

Gene: POLE (DNA polymerase epsilon, catalytic subunit; minus strand). Cytogenetic location: 12q24.33.
Variant type: single nucleotide variant.
Coding change: c.4728G>A on transcript NM_006231.4 (MANE Select); coding-DNA position 4728, G replaced by A.
Protein change: p.Lys1576=; no amino-acid change (lysine 1576 retained).
Molecular consequence: synonymous variant.
Genome position (GRCh38, 1-based): chr12:132,642,820, C>T on the plus strand (G>A on the coding strand, the complement: POLE is on the minus strand). VCF-style: chr12-132642820-C-T. GRCh37 (hg19) VCF-style: chr12-133219406-C-T.
Other names: c.4728G>A (NM_006231.2).
Identifiers: ClinVar variation 540816 (VCV000540816.7), dbSNP rs1555222662, ClinGen allele CA482848909.

ClinVar aggregate classification (germline): Uncertain significance. Review status: criteria provided, multiple submitters, no conflicts (2 of 4 stars). 2 submissions from 2 submitters: Uncertain significance (2). Last evaluated 2025-04-22.

Conditions:
Hereditary cancer-predisposing syndrome. Also called: Neoplastic Syndromes, Hereditary; Hereditary Cancer Syndrome; Hereditary neoplastic syndrome; Tumor predisposition. Identifiers: Orphanet 140162, MedGen C0027672, MeSH D009386, MONDO:0015356.

Allele frequency attached by ClinVar (database versions not stated): gnomAD exomes below 0.00001.
gnomAD v4.1: 3 of 1,614,012 alleles (0.00019%); highest among the groups gnomAD compares: African/African-American, 0.0013%; no homozygotes.

Submissions (2):

Ambry Genetics
Classification: Uncertain significance for Hereditary cancer-predisposing syndrome. Last evaluated: 2025-04-22. Review status: criteria provided, single submitter. Criteria: Ambry Variant Classification Scheme 2023. Collection method: clinical testing. Allele origin: germline.
Comment: The c.4728G>A variant (also known as p.K1576K), located in coding exon 36 of the POLE gene, results from a G to A substitution at nucleotide position 4728. This nucleotide substitution does not change the lysine at codon 1576. However, this change occurs in the last base pair of coding exon 36, which makes it likely to have some effect on normal mRNA splicing. This nucleotide position is poorly conserved in available vertebrate species. In silico splice site analysis predicts that this alteration will not have any significant effect on splicing. Based on the available evidence, the clinical significance of this variant remains unclear.

Labcorp Genetics (formerly Invitae), Labcorp
Classification: Uncertain significance. Last evaluated: 2021-11-18. Review status: criteria provided, single submitter. Criteria: Invitae Variant Classification Sherloc (09022015). Collection method: clinical testing. Allele origin: germline.
Comment: This variant has not been reported in the literature in individuals affected with POLE-related conditions. In summary, the available evidence is currently insufficient to determine the role of this variant in disease. Therefore, it has been classified as a Variant of Uncertain Significance. Variants that disrupt the consensus splice site are a relatively common cause of aberrant splicing (PMID: 17576681, 9536098). Algorithms developed to predict the effect of sequence changes on RNA splicing suggest that this variant may disrupt the consensus splice site. ClinVar contains an entry for this variant (Variation ID: 540816). This variant is not present in population databases (gnomAD no frequency). This sequence change affects codon 1576 of the POLE mRNA. It is a 'silent' change, meaning that it does not change the encoded amino acid sequence of the POLE protein. This variant also falls at the last nucleotide of exon 36, which is part of the consensus splice site for this exon.

Literature cited by the submitters: PubMed 17576681 (cited by Labcorp Genetics (formerly Invitae), Labcorp); PubMed 9536098 (cited by Labcorp Genetics (formerly Invitae), Labcorp).